The following is an entry in ClinVar:

ClinVar aggregate classification (germline): Likely benign. Review status: criteria provided, single submitter (1 of 4 stars). 2 submissions from 2 submitters: Likely benign (1). 1 of the submissions does not count toward it. Last evaluated 2025-02-09.

Conditions:
PCNT-related disorder. Also called: PCNT-related condition.

Allele frequency attached by ClinVar (database versions not stated): gnomAD exomes 0.00002; TOPMed 0.00001.
gnomAD v4.1: 21 of 1,603,326 alleles (0.0013%); highest among the groups gnomAD compares: Non-Finnish European, 0.0017%; no homozygotes.

Submissions (2):

Labcorp Genetics (formerly Invitae), Labcorp
Classification: Likely benign. Last evaluated: 2025-02-09. Review status: criteria provided, single submitter. Criteria: Invitae Variant Classification Sherloc (09022015). Collection method: clinical testing. Allele origin: germline.

PreventionGenetics, part of Exact Sciences
Classification: Likely benign for PCNT-related condition. Last evaluated: 2021-08-10. Review status: no assertion criteria provided. Collection method: clinical testing. Allele origin: germline. Not counted in ClinVar's aggregate classification.
Comment: This variant is classified as likely benign based on ACMG/AMP sequence variant interpretation guidelines (Richards et al. 2015 PMID: 25741868, with internal and published modifications).

NM_006031.6(PCNT):c.4536G>A (p.Pro1512=)

Gene: PCNT (pericentrin; plus strand). Cytogenetic location: 21q22.3.
Variant type: single nucleotide variant.
Coding change: c.4536G>A on transcript NM_006031.6 (MANE Select); coding-DNA position 4536, G replaced by A.
Protein change: p.Pro1512=; no amino-acid change (proline 1512 retained).
Molecular consequence: synonymous variant.
Genome position (GRCh38, 1-based): chr21:46,398,103, G>A. VCF-style: chr21-46398103-G-A. GRCh37 (hg19) VCF-style: chr21-47818017-G-A.
Other names: c.4182G>A, p.Pro1394= (NM_001315529.2); c.4536G>A (NM_006031.5).
Identifiers: ClinVar variation 3000050 (VCV003000050.4), dbSNP rs565863968, ClinGen allele CA512741722.
Genomic context (GRCh38, chr21:46,398,103, plus strand): 5'-CGAGGAGTTCCAGCAGGAGATTCAGAGGCTGGAGGGGCAGCTCCGCCAGGCGGCCAAGCC[G>A]CAGCCCTGGGGCCCTCGCGACAGCCAGGTGAGTCAGTGCAGCGTGCAGTGCTGCTGGTTG-3'
Protein context (NP_006022.3, residues 1502-1522): LEGQLRQAAK[Pro1512=]QPWGPRDSQQ